The following is an entry in ClinVar:

NM_144563.3(RPIA):c.451C>T (p.Arg151Ter)

Gene: RPIA (ribose 5-phosphate isomerase A; plus strand). Cytogenetic location: 2p11.2.
Variant type: single nucleotide variant.
Coding change: c.451C>T on transcript NM_144563.3 (MANE Select); coding-DNA position 451, C replaced by T.
Protein change: p.Arg151Ter; replaces arginine 151 with a stop codon.
Molecular consequence: nonsense.
Genome position (GRCh38, 1-based): chr2:88,729,326, C>T. VCF-style: chr2-88729326-C-T. GRCh37 (hg19) VCF-style: chr2-89028844-C-T.
Other names: short protein forms R151*.
Identifiers: ClinVar variation 1683399 (VCV001683399.4), dbSNP rs760452079, ClinGen allele CA1755206.

ClinVar aggregate classification (germline): Pathogenic. Review status: criteria provided, multiple submitters, no conflicts (2 of 4 stars). 2 submissions from 2 submitters: Pathogenic (2). Last evaluated 2024-01-04.

Conditions:
Inborn genetic diseases. Identifiers: MedGen C0950123, MeSH D030342.
Deficiency of ribose-5-phosphate isomerase. Also called: Ribose-5-P isomerase deficiency. Identifiers: Orphanet 440706, MedGen C1291609, MONDO:0012073, OMIM 608611.

Allele frequency attached by ClinVar (database versions not stated): gnomAD exomes below 0.00001 and 0.00001; ExAC 0.00001; TOPMed 0.00001.

Submissions (2):

Women's Health and Genetics/Laboratory Corporation of America, LabCorp
Classification: Pathogenic for Deficiency of ribose-5-phosphate isomerase. Last evaluated: 2024-01-04. Review status: criteria provided, single submitter. Criteria: LabCorp Variant Classification Summary - May 2015. Collection method: clinical testing. Allele origin: germline.
Comment: Variant summary: RPIA c.451C>T (p.Arg151X) results in a premature termination codon, predicted to cause a truncation of the encoded protein or absence of the protein due to nonsense mediated decay, which are commonly known mechanisms for disease. The variant allele was found at a frequency of 4e-06 in 249504 control chromosomes. To our knowledge, no occurrence of c.451C>T in individuals affected with Ribose 5-Phosphate Isomerase Deficiency and no experimental evidence demonstrating its impact on protein function have been reported. ClinVar contains an entry for this variant (Variation ID: 1683399). Based on the evidence outlined above, the variant was classified as pathogenic.

Ambry Genetics
Classification: Pathogenic for Inborn genetic diseases. Last evaluated: 2023-06-26. Review status: criteria provided, single submitter. Criteria: Ambry Variant Classification Scheme 2023. Collection method: clinical testing. Allele origin: germline.
Comment: The c.451C>T (p.R151*) alteration, located in exon 4 (coding exon 4) of the RPIA gene, consists of a C to T substitution at nucleotide position 451. This changes the amino acid from an arginine (R) to a stop codon at amino acid position 151. This alteration is expected to result in loss of function by premature protein truncation or nonsense-mediated mRNA decay. Based on data from gnomAD, the T allele has an overall frequency of 0.001% (2/280908) total alleles studied. The highest observed frequency was 0.004% (1/24198) of African alleles. Based on the available evidence, this alteration is classified as pathogenic.